The following is an entry in ClinVar:

ClinVar aggregate classification (germline): Benign/Likely benign. Review status: criteria provided, multiple submitters, no conflicts (2 of 4 stars). 6 submissions from 6 submitters: Benign (3); Likely benign (1). 2 of the submissions do not count toward it. Last evaluated 2026-07-14.

Conditions:
Occult macular dystrophy (OCMD). Also called: OMD; OCCULT MACULAR DYSTROPHY, SUSCEPTIBILITY TO. Identifiers: Orphanet 247834, MedGen C3150833, MONDO:0013316, OMIM 613587, HP:0030636.
RP1L1-related disorder. Also called: RP1L1-related condition.

Allele frequency attached by ClinVar (database versions not stated): TOPMed 0.00139; ESP Exome Variant Server 0.00154; 1000 Genomes Project 30x 0.00172; 1000 Genomes Project 0.00180; gnomAD exomes 0.00308 and 0.00344; gnomAD 0.00336 and 0.00348; ExAC 0.00368.
gnomAD v4.1: 4,940 of 1,609,958 alleles (0.31%); highest among the groups gnomAD compares: Non-Finnish European, 0.27%; 36 homozygotes.

Submissions (6):

PreventionGenetics, part of Exact Sciences
Classification: Benign for RP1L1-related condition. Last evaluated: 2026-07-14. Review status: criteria provided, single submitter. Criteria: ACMG Guidelines, 2015. Collection method: clinical testing. Allele origin: germline.
Comment: This variant is classified as benign based on ACMG/AMP sequence variant interpretation guidelines (Richards et al. 2015 PMID: 25741868, with internal and published modifications).

CeGaT Center for Human Genetics Tuebingen
Classification: Likely benign. Last evaluated: 2022-08-01. Review status: criteria provided, single submitter. Criteria: CeGaT Center For Human Genetics Tuebingen Variant Classification Criteria Version 2. Collection method: clinical testing. Allele origin: germline. Affected: yes. Observed: 1 variant allele.
Comment: RP1L1: BP4, BP7

Illumina Laboratory Services, Illumina
Classification: Benign for Occult macular dystrophy. Last evaluated: 2018-01-13. Review status: criteria provided, single submitter. Criteria: ICSL Variant Classification Criteria 13 December 2019. Collection method: clinical testing. Allele origin: germline.
Comment: This variant was observed in the ICSL laboratory as part of a predisposition screen in an ostensibly healthy population. It had not been previously curated by ICSL or reported in the Human Gene Mutation Database (HGMD: prior to June 1st, 2018), and was therefore a candidate for classification through an automated scoring system. Utilizing variant allele frequency, disease prevalence and penetrance estimates, and inheritance mode, an automated score was calculated to assess if this variant is too frequent to cause the disease. Based on the score and internal cut-off values, a variant classified as benign is not then subjected to further curation. The score for this variant resulted in a classification of benign for this disease.

Breakthrough Genomics
Classification: Benign. Review status: criteria provided, single submitter. Criteria: ACMG Guidelines, 2015. Collection method: not provided. Allele origin: germline. Inheritance: Autosomal recessive inheritance. Affected: yes.

Clinical Genetics DNA and cytogenetics Diagnostics Lab, Erasmus MC, Erasmus Medical Center
Classification: Likely benign. Review status: no assertion criteria provided. Collection method: clinical testing. Allele origin: germline. Affected: yes. Study: VKGL Data-share Consensus. Not counted in ClinVar's aggregate classification.

Clinical Genetics, Academic Medical Center
Classification: Benign. Review status: no assertion criteria provided. Collection method: clinical testing. Allele origin: germline. Affected: yes. Study: VKGL Data-share Consensus. Not counted in ClinVar's aggregate classification.

NM_178857.6(RP1L1):c.1320C>T (p.His440=)

Gene: RP1L1 (RP1 like 1). Cytogenetic location: 8p23.1.
Variant type: single nucleotide variant.
Coding change: c.1320C>T on transcript NM_178857.6 (MANE Select); coding-DNA position 1320, C replaced by T.
Protein change: p.His440=; no amino-acid change (histidine 440 retained).
Molecular consequence: synonymous variant.
Genome position (GRCh38, 1-based): chr8:10,612,778, G>A on the plus strand (C>T on the coding strand, the complement: RP1L1 is on the minus strand). VCF-style: chr8-10612778-G-A. GRCh37 (hg19) VCF-style: chr8-10470288-G-A.
Identifiers: ClinVar variation 361378 (VCV000361378.33), dbSNP rs137914071, ClinGen allele CA4625226.